The following is an entry in ClinVar:

ClinVar aggregate classification (germline): Uncertain significance. Review status: criteria provided, multiple submitters, no conflicts (2 of 4 stars). 2 submissions from 2 submitters: Uncertain significance (2). Last evaluated 2025-01-01.

Conditions:
Pancreatic adenocarcinoma. Identifiers: MedGen C0281361, MONDO:0006047, HP:0006725.

Allele frequency attached by ClinVar (database versions not stated): gnomAD exomes below 0.00001 and 0.00001; gnomAD 0.00001.
gnomAD v4.1: 14 of 1,613,956 alleles (0.00087%); highest among the groups gnomAD compares: East Asian, 0.031%; no homozygotes.

Submissions (2):

Labcorp Genetics (formerly Invitae), Labcorp
Classification: Uncertain significance for Pancreatic adenocarcinoma. Last evaluated: 2025-01-01. Review status: criteria provided, single submitter. Criteria: Invitae Variant Classification Sherloc (09022015). Collection method: clinical testing. Allele origin: germline.
Comment: This sequence change replaces serine, which is neutral and polar, with cysteine, which is neutral and slightly polar, at codon 175 of the PALLD protein (p.Ser175Cys). This variant is present in population databases (no rsID available, gnomAD 0.006%). This variant has not been reported in the literature in individuals affected with PALLD-related conditions. ClinVar contains an entry for this variant (Variation ID: 1413361). An algorithm developed to predict the effect of missense changes on protein structure and function (PolyPhen-2) suggests that this variant is likely to be disruptive. In summary, the available evidence is currently insufficient to determine the role of this variant in disease. Therefore, it has been classified as a Variant of Uncertain Significance.

Ambry Genetics
Classification: Uncertain significance. Last evaluated: 2024-03-25. Review status: criteria provided, single submitter. Criteria: Ambry Variant Classification Scheme 2023. Collection method: clinical testing. Allele origin: germline.
Comment: The p.S662C variant (also known as c.1984A>T), located in coding exon 10 of the PALLD gene, results from an A to T substitution at nucleotide position 1984. The serine at codon 662 is replaced by cysteine, an amino acid with dissimilar properties. This amino acid position is conserved. In addition, this alteration is predicted to be tolerated by in silico analysis. Since supporting evidence is limited at this time, the clinical significance of this alteration remains unclear.

NM_001166108.2(PALLD):c.1984A>T (p.Ser662Cys)

Gene: PALLD (palladin, cytoskeletal associated protein; plus strand). Cytogenetic location: 4q32.3.
Variant type: single nucleotide variant.
Coding change: c.1984A>T on transcript NM_001166108.2 (MANE Select); coding-DNA position 1984, A replaced by T.
Protein change: p.Ser662Cys; replaces serine 662 with cysteine.
Molecular consequence: missense variant. On other transcripts: 5 prime UTR variant (4).
Genome position (GRCh38, 1-based): chr4:168,890,941, A>T. VCF-style: chr4-168890941-A-T. GRCh37 (hg19) VCF-style: chr4-169812092-A-T.
Other names: c.523A>T, p.Ser175Cys (NM_001166110.2); c.-138A>T (NM_001367567.1, NM_001367568.1, NM_001367569.1 and 1 more transcripts); c.1984A>T, p.Ser662Cys (NM_016081.4); c.838A>T, p.Ser280Cys (NM_001166109.2); short protein forms S175C, S280C, S662C.
Identifiers: ClinVar variation 1413361 (VCV001413361.10), dbSNP rs1279652646, ClinGen allele CA358797090.